The following is an entry in ClinVar:

NM_002155.5(HSPA6):c.1309C>T (p.Gln437Ter)

Gene: HSPA6 (heat shock protein family A (Hsp70) member 6; plus strand). Cytogenetic location: 1q23.3.
Variant type: single nucleotide variant.
Coding change: c.1309C>T on transcript NM_002155.5 (MANE Select); coding-DNA position 1309, C replaced by T.
Protein change: p.Gln437Ter; replaces glutamine 437 with a stop codon.
Molecular consequence: nonsense.
Genome position (GRCh38, 1-based): chr1:161,525,967, C>T. VCF-style: chr1-161525967-C-T. GRCh37 (hg19) VCF-style: chr1-161495757-C-T.
Other names: short protein forms Q437*.
Identifiers: ClinVar variation 782232 (VCV000782232.28), dbSNP rs140320557, ClinGen allele CA1211151.

ClinVar aggregate classification (germline): Likely benign. Review status: criteria provided, multiple submitters, no conflicts (2 of 4 stars). 3 submissions from 3 submitters: Likely benign (3). Last evaluated 2022-12-01.

Allele frequency attached by ClinVar (database versions not stated): 1000 Genomes Project 0.00040; 1000 Genomes Project 30x 0.00078; TOPMed 0.00208; gnomAD 0.00235 and 0.00243; ESP Exome Variant Server 0.00284.
gnomAD v4.1: 5,451 of 1,613,592 alleles (0.34%); highest among the groups gnomAD compares: Non-Finnish European, 0.43%; 42 homozygotes.

Submissions (3):

CeGaT Center for Human Genetics Tuebingen
Classification: Likely benign. Last evaluated: 2022-12-01. Review status: criteria provided, single submitter. Criteria: CeGaT Center For Human Genetics Tuebingen Variant Classification Criteria Version 2. Collection method: clinical testing. Allele origin: germline. Affected: yes. Observed: 1 variant allele.
Comment: HSPA6: BS2

Labcorp Genetics (formerly Invitae), Labcorp
Classification: Likely benign. Last evaluated: 2017-06-28. Review status: criteria provided, single submitter. Criteria: Invitae Variant Classification Sherloc (09022015). Collection method: clinical testing. Allele origin: germline.

Breakthrough Genomics
Classification: Likely benign. Review status: criteria provided, single submitter. Criteria: ACMG Guidelines, 2015. Collection method: not provided. Allele origin: germline. Inheritance: Unknown mechanism. Affected: yes.